The following is an entry in ClinVar:

NM_007294.4(BRCA1):c.5074+228C>T

Gene: BRCA1 (BRCA1 DNA repair associated; minus strand). Cytogenetic location: 17q21.31.
Variant type: single nucleotide variant.
Coding change: c.5074+228C>T on transcript NM_007294.4 (MANE Select); 228 bases into the intron after coding-DNA position 5074, C replaced by T.
Molecular consequence: intron variant.
Genome position (GRCh38, 1-based): chr17:43,067,380, G>A on the plus strand (C>T on the coding strand, the complement: BRCA1 is on the minus strand). VCF-style: chr17-43067380-G-A. GRCh37 (hg19) VCF-style: chr17-41219397-G-A.
Other names: IVS 17+228C>T; c.1621+228C>T (NM_001408458.1, NM_001408461.1, NM_001408464.1 and 7 more transcripts); c.4183+228C>T (NM_001407967.1); c.4693+228C>T (NM_001407959.1); c.4807+228C>T (NM_001407931.1, NM_001407932.1, NM_001407928.1 and 4 more transcripts); c.4930+228C>T (NM_001407747.1, NM_001407745.1, NM_001407737.1 and 21 more transcripts); c.4690+228C>T (NM_001407962.1, NM_001407960.1); c.1261+228C>T (NM_001408512.1); and 72 more.
Identifiers: ClinVar variation 209347 (VCV000209347.4), dbSNP rs71379207, ClinGen allele CA276319.

ClinVar aggregate classification (germline): Benign. Review status: reviewed by expert panel (3 of 4 stars). 2 submissions from 2 submitters: Benign (1). 1 of the submissions does not count toward it. Last evaluated 2015-01-12.

Conditions:
Breast-ovarian cancer, familial, susceptibility to, 1 (BROVCA1). Also called: BRCA1 Hereditary Breast and Ovarian Cancer; OVARIAN CANCER, SUSCEPTIBILITY TO. Identifiers: Orphanet 145, MedGen C2676676, MONDO:0011450, OMIM 604370. Disease mechanism: loss of function.

Allele frequency attached by ClinVar (database versions not stated): gnomAD exomes 0.00120; 1000 Genomes Project 30x 0.00999; 1000 Genomes Project 0.01018; gnomAD 0.01030 and 0.01098; TOPMed 0.01081.
gnomAD v4.1: 1,833 of 398,726 alleles (0.46%); highest among the groups gnomAD compares: African/African-American, 3.5%; 39 homozygotes.

Submissions (2):

Evidence-based Network for the Interpretation of Germline Mutant Alleles (ENIGMA)
Classification: Benign for Breast-ovarian cancer, familial 1. Last evaluated: 2015-01-12. Review status: reviewed by expert panel. Criteria: ENIGMA BRCA1/2 Classification Criteria (2015). Collection method: curation. Allele origin: germline.
Comment: Class 1 not pathogenic based on frequency >1% in an outbred sampleset. Frequency 0.04878 (African), derived from 1000 genomes (2012-04-30).

GeneDx
Classification: Likely benign. Last evaluated: 2018-06-25. Review status: criteria provided, single submitter. Criteria: GeneDx Variant Classification Process June 2021. Collection method: clinical testing. Allele origin: germline. Affected: yes. Not counted in ClinVar's aggregate classification.